The following is an entry in ClinVar:

NM_182914.3(SYNE2):c.2300A>T (p.Glu767Val)

Gene: SYNE2 (spectrin repeat containing nuclear envelope protein 2; plus strand). Cytogenetic location: 14q23.2.
Variant type: single nucleotide variant.
Coding change: c.2300A>T on transcript NM_182914.3 (MANE Select); coding-DNA position 2300, A replaced by T.
Protein change: p.Glu767Val; replaces glutamic acid 767 with valine.
Molecular consequence: missense variant.
Genome position (GRCh38, 1-based): chr14:63,986,604, A>T. VCF-style: chr14-63986604-A-T. GRCh37 (hg19) VCF-style: chr14-64453322-A-T.
Other names: c.2300A>T, p.Glu767Val (NM_015180.6); short protein forms E767V.
Identifiers: ClinVar variation 855217 (VCV000855217.11), dbSNP rs138419017, ClinGen allele CA7219651.
Genomic context (GRCh38, chr14:63,986,604, plus strand): 5'-AAATCTGGGAGGCAGAAGCCAAATCTGTTTTGGATCAAGATGATGTGGACACCTCAATGG[A>T]AGAATCTTTGAAGGTATGTGTGTAAAAGTATTAAGAGGGTACTTTCATGGTTGTGCATTT-3'
Protein context (NP_878918.2, residues 757-777): LDQDDVDTSM[Glu767Val]ESLKHLIAKG

ClinVar aggregate classification (germline): Conflicting classifications of pathogenicity. Review status: criteria provided, conflicting classifications (1 of 4 stars). 3 submissions from 3 submitters: Uncertain significance (2); Likely benign (1). Last evaluated 2025-07-21.

Conditions:
Emery-Dreifuss muscular dystrophy 5, autosomal dominant (EDMD5). Also called: EMERY-DREIFUSS MUSCULAR DYSTROPHY 5. Identifiers: Orphanet 261, MedGen C2751805, MONDO:0013072, OMIM 612999.

Allele frequency attached by ClinVar (database versions not stated): gnomAD 0.00001; TOPMed 0.00001; gnomAD exomes 0.00005 and 0.00010; ExAC 0.00011; 1000 Genomes Project 0.00020; 1000 Genomes Project 30x 0.00031.
gnomAD v4.1: 31 of 1,614,146 alleles (0.0019%); highest among the groups gnomAD compares: Admixed American, 0.052%; 1 homozygote.

Submissions (3):

Labcorp Genetics (formerly Invitae), Labcorp
Classification: Uncertain significance for Emery-Dreifuss muscular dystrophy 5, autosomal dominant. Last evaluated: 2025-07-21. Review status: criteria provided, single submitter. Criteria: Invitae Variant Classification Sherloc (09022015). Collection method: clinical testing. Allele origin: germline.
Comment: This sequence change replaces glutamic acid, which is acidic and polar, with valine, which is neutral and non-polar, at codon 767 of the SYNE2 protein (p.Glu767Val). This variant is present in population databases (rs138419017, gnomAD 0.07%), and has an allele count higher than expected for a pathogenic variant. This variant has not been reported in the literature in individuals affected with SYNE2-related conditions. ClinVar contains an entry for this variant (Variation ID: 855217). An algorithm developed to predict the effect of missense changes on protein structure and function outputs the following: PolyPhen-2: "Benign". The valine amino acid residue is found in multiple mammalian species, which suggests that this missense change does not adversely affect protein function. In summary, the available evidence is currently insufficient to determine the role of this variant in disease. Therefore, it has been classified as a Variant of Uncertain Significance.

Revvity Omics, Revvity
Classification: Likely benign for Emery-Dreifuss muscular dystrophy 5, autosomal dominant. Last evaluated: 2025-04-02. Review status: criteria provided, single submitter. Criteria: ACMG Guidelines, 2015. Collection method: clinical testing. Allele origin: germline.

Ambry Genetics
Classification: Uncertain significance. Last evaluated: 2023-12-13. Review status: criteria provided, single submitter. Criteria: Ambry Variant Classification Scheme 2023. Collection method: clinical testing. Allele origin: germline.